The following is an entry in ClinVar:

ClinVar aggregate classification (germline): Likely benign. Review status: criteria provided, multiple submitters, no conflicts (2 of 4 stars). 4 submissions from 4 submitters: Likely benign (4). Last evaluated 2025-11-02.

Conditions:
Autosomal dominant epilepsy with auditory features. Identifiers: Orphanet 101046, MedGen C1838062, MONDO:0010898.

Allele frequency attached by ClinVar (database versions not stated): ExAC 0.00003; ESP Exome Variant Server 0.00008; gnomAD exomes 0.00008 and 0.00009; gnomAD 0.00009; TOPMed 0.00010; 1000 Genomes Project 30x 0.00016; 1000 Genomes Project 0.00020.
gnomAD v4.1: 124 of 1,612,748 alleles (0.0077%); highest among the groups gnomAD compares: South Asian, 0.014%; no homozygotes.

Submissions (4):

Labcorp Genetics (formerly Invitae), Labcorp
Classification: Likely benign for Autosomal dominant epilepsy with auditory features. Last evaluated: 2025-11-02. Review status: criteria provided, single submitter. Criteria: Invitae Variant Classification Sherloc (09022015). Collection method: clinical testing. Allele origin: germline.

CeGaT Center for Human Genetics Tuebingen
Classification: Likely benign. Last evaluated: 2024-11-01. Review status: criteria provided, single submitter. Criteria: CeGaT Center For Human Genetics Tuebingen Variant Classification Criteria Version 2. Collection method: clinical testing. Allele origin: germline. Affected: yes. Observed: 1 variant allele.
Comment: LGI1: BP4, BP7

Blueprint Genetics
Classification: Likely benign. Last evaluated: 2024-05-20. Review status: criteria provided, single submitter. Criteria: ACMG Guidelines, 2015. Collection method: clinical testing. Allele origin: germline.

GeneDx
Classification: Likely benign. Last evaluated: 2019-03-13. Review status: criteria provided, single submitter. Criteria: GeneDx Variant Classification Process June 2021. Collection method: clinical testing. Allele origin: germline. Affected: yes.

NM_005097.4(LGI1):c.756C>T (p.Ile252=)

Gene: LGI1 (leucine rich glioma inactivated 1; plus strand). Cytogenetic location: 10q23.33.
Variant type: single nucleotide variant.
Coding change: c.756C>T on transcript NM_005097.4 (MANE Select); coding-DNA position 756, C replaced by T.
Protein change: p.Ile252=; no amino-acid change (isoleucine 252 retained).
Molecular consequence: synonymous variant. On other transcripts: non-coding transcript variant (1).
Genome position (GRCh38, 1-based): chr10:93,793,268, C>T. VCF-style: chr10-93793268-C-T. GRCh37 (hg19) VCF-style: chr10-95553025-C-T.
Other names: c.756C>T, p.Ile252= (NM_001308275.2); c.612C>T, p.Ile204= (NM_001308276.2).
Identifiers: ClinVar variation 383335 (VCV000383335.30), dbSNP rs368264015, ClinGen allele CA5611175.